The following is an entry in ClinVar:

ClinVar aggregate classification (germline): Likely benign. Review status: criteria provided, multiple submitters, no conflicts (2 of 4 stars). 3 submissions from 3 submitters: Likely benign (3). Last evaluated 2025-11-09.

Conditions:
Long QT syndrome 1 (LQT1). Identifiers: Orphanet 101016, Orphanet 768, MedGen C4551647, MONDO:0100316, OMIM 192500, MONDO:0008646.

Allele frequency attached by ClinVar (database versions not stated): TOPMed 0.00001; ExAC 0.00002; gnomAD 0.00002.
gnomAD v4.1: 62 of 1,613,464 alleles (0.0038%); highest among the groups gnomAD compares: Middle Eastern, 0.016%; no homozygotes.

Submissions (3):

Labcorp Genetics (formerly Invitae), Labcorp
Classification: Likely benign for Long QT syndrome 1. Last evaluated: 2025-11-09. Review status: criteria provided, single submitter. Criteria: Invitae Variant Classification Sherloc (09022015). Collection method: clinical testing. Allele origin: germline.

Blueprint Genetics
Classification: Likely benign. Last evaluated: 2024-05-07. Review status: criteria provided, single submitter. Criteria: ACMG Guidelines, 2015. Collection method: clinical testing. Allele origin: germline.

GeneDx
Classification: Likely benign. Last evaluated: 2017-10-03. Review status: criteria provided, single submitter. Criteria: GeneDx Variant Classification (06012015). Collection method: clinical testing. Allele origin: germline. Affected: yes.
Comment: This variant is considered likely benign or benign based on one or more of the following criteria: it is a conservative change, it occurs at a poorly conserved position in the protein, it is predicted to be benign by multiple in silico algorithms, and/or has population frequency not consistent with disease.

NM_005184.4(CALM3):c.178+17G>A

Gene: CALM3 (calmodulin 3; plus strand). Cytogenetic location: 19q13.32.
Variant type: single nucleotide variant.
Coding change: c.178+17G>A on transcript NM_005184.4 (MANE Select); 17 bases into the intron after coding-DNA position 178, G replaced by A.
Molecular consequence: intron variant.
Genome position (GRCh38, 1-based): chr19:46,608,357, G>A. VCF-style: chr19-46608357-G-A. GRCh37 (hg19) VCF-style: chr19-47111614-G-A.
Other names: c.70+17G>A (NM_001329921.1, NM_001329924.2, NM_001329926.2 and 2 more transcripts); c.178+17G>A (NM_001329922.1).
Identifiers: ClinVar variation 512510 (VCV000512510.5), dbSNP rs764944151, ClinGen allele CA9529760.